The following is an entry in ClinVar:

ClinVar aggregate classification (germline): Pathogenic (1 of 4 stars; one submission).

Allele frequency attached by ClinVar (database versions not stated): gnomAD exomes below 0.00001; TOPMed 0.00001.

Submission:

Labcorp Genetics (formerly Invitae), Labcorp
Classification: Pathogenic. Last evaluated: 2023-06-05. Review status: criteria provided, single submitter. Criteria: Invitae Variant Classification Sherloc (09022015). Collection method: clinical testing. Allele origin: germline.
Comment: For these reasons, this variant has been classified as Pathogenic. This variant disrupts a region of the IHH protein in which other variant(s) (p.Glu58Lys) have been determined to be pathogenic (PMID: 29155992). This suggests that this is a clinically significant region of the protein, and that variants that disrupt it are likely to be disease-causing. This variant has not been reported in the literature in individuals affected with IHH-related conditions. This variant is not present in population databases (gnomAD no frequency). This sequence change affects the initiator methionine of the IHH mRNA. The next in-frame methionine is located at codon 103.

Literature cited by the submitters: PubMed 29155992.

NM_002181.4(IHH):c.2T>C (p.Met1Thr)

Gene: IHH (Indian hedgehog signaling molecule; minus strand). Cytogenetic location: 2q35.
Variant type: single nucleotide variant.
Coding change: c.2T>C on transcript NM_002181.4 (MANE Select); coding-DNA position 2, T replaced by C.
Protein change: p.Met1Thr; changes the start codon (methionine 1).
Molecular consequence: missense variant, initiator codon variant.
Genome position (GRCh38, 1-based): chr2:219,060,466, A>G on the plus strand (T>C on the coding strand, the complement: IHH is on the minus strand). VCF-style: chr2-219060466-A-G. GRCh37 (hg19) VCF-style: chr2-219925188-A-G.
Other names: short protein forms M1T.
Identifiers: ClinVar variation 2853436 (VCV002853436.3), dbSNP rs1948871509, ClinGen allele CA350637841.